The following is an entry in ClinVar:

ClinVar aggregate classification (germline): Uncertain significance (1 of 4 stars; one submission).

Submission:

Labcorp Genetics (formerly Invitae), Labcorp
Classification: Uncertain significance. Last evaluated: 2021-08-09. Review status: criteria provided, single submitter. Criteria: Invitae Variant Classification Sherloc (09022015). Collection method: clinical testing. Allele origin: germline.
Comment: This sequence change replaces alanine with proline at codon 817 of the FAT4 protein (p.Ala817Pro). The alanine residue is highly conserved and there is a small physicochemical difference between alanine and proline. This variant is not present in population databases (ExAC no frequency). This variant has not been reported in the literature in individuals affected with FAT4-related conditions. Algorithms developed to predict the effect of missense changes on protein structure and function (SIFT, PolyPhen-2, Align-GVGD) all suggest that this variant is likely to be disruptive. In summary, the available evidence is currently insufficient to determine the role of this variant in disease. Therefore, it has been classified as a Variant of Uncertain Significance.

NM_001291303.3(FAT4):c.2449G>C (p.Ala817Pro)

Gene: FAT4 (FAT atypical cadherin 4; plus strand). Cytogenetic location: 4q28.1.
Variant type: single nucleotide variant.
Coding change: c.2449G>C on transcript NM_001291303.3 (MANE Select); coding-DNA position 2449, G replaced by C.
Protein change: p.Ala817Pro; replaces alanine 817 with proline.
Molecular consequence: missense variant.
Genome position (GRCh38, 1-based): chr4:125,318,860, G>C. VCF-style: chr4-125318860-G-C. GRCh37 (hg19) VCF-style: chr4-126240015-G-C.
Other names: c.2449G>C, p.Ala817Pro (NM_001291285.3, NM_024582.6); short protein forms A817P.
Identifiers: ClinVar variation 1373681 (VCV001373681.1), dbSNP rs1213814030, ClinGen allele CA358120344.